The following is an entry in ClinVar:

ClinVar aggregate classification (germline): Uncertain significance. Review status: criteria provided, multiple submitters, no conflicts (2 of 4 stars). 2 submissions from 2 submitters: Uncertain significance (2). Last evaluated 2026-03-20.

Submissions (2):

GeneDx
Classification: Uncertain significance. Last evaluated: 2026-03-20. Review status: criteria provided, single submitter. Criteria: GeneDx Variant Classification Process June 2021. Collection method: clinical testing. Allele origin: germline.
Comment: Not observed at significant frequency in large population cohorts (gnomAD); Frameshift variant predicted to result in abnormal protein length as the last 5 amino acid(s) are replaced with 30 different amino acid(s); Has not been previously published as pathogenic or benign to our knowledge

Labcorp Genetics (formerly Invitae), Labcorp
Classification: Uncertain significance. Last evaluated: 2022-12-31. Review status: criteria provided, single submitter. Criteria: Invitae Variant Classification Sherloc (09022015). Collection method: clinical testing. Allele origin: germline.
Comment: ClinVar contains an entry for this variant (Variation ID: 1407410). This sequence change results in a frameshift in the COL4A2 gene (p.Cys1708Serfs*31). While this is not anticipated to result in nonsense mediated decay, it is expected to disrupt the last 5 amino acid(s) of the COL4A2 protein and extend the protein by 25 additional amino acid residues. This variant is not present in population databases (gnomAD no frequency). This variant has not been reported in the literature in individuals affected with COL4A2-related conditions. Experimental studies and prediction algorithms are not available or were not evaluated, and the functional significance of this variant is currently unknown. Algorithms developed to predict the effect of sequence changes on RNA splicing suggest that this variant may create or strengthen a splice site. In summary, the available evidence is currently insufficient to determine the role of this variant in disease. Therefore, it has been classified as a Variant of Uncertain Significance.

NM_001846.4(COL4A2):c.5122_5138del (p.Cys1708fs)

Gene: COL4A2 (collagen type IV alpha 2 chain; plus strand). Cytogenetic location: 13q34.
Variant type: Deletion.
Coding change: c.5122_5138del on transcript NM_001846.4 (MANE Select); coding-DNA positions 5122 to 5138, 17 bases deleted (TGCATGAAGAACCTGTG).
Protein change: p.Cys1708fs; shifts the reading frame from cysteine 1708.
Molecular consequence: frameshift variant.
Genome position (GRCh38, 1-based): chr13:110,512,174-110,512,190, TGCATGAAGAACCTGTG deleted; deleting any 17 consecutive bases within chr13:110,512,171-110,512,190 gives the same sequence; the c. name uses the placement nearest the transcript's 3' end. VCF-style (leftmost placement, unchanged base first): chr13-110512170-GGTGTGCATGAAGAACCT-G. GRCh37 (hg19) VCF-style: chr13-111164517-GGTGTGCATGAAGAACCT-G.
Other names: c.5122_5138del (NM_001846.2); short protein forms C1708fs.
Identifiers: ClinVar variation 1407410 (VCV001407410.7), dbSNP rs1280406576, ClinGen allele CA695041711.